The following is an entry in ClinVar:

NM_000237.3(LPL):c.269G>C (p.Ser90Thr)

Gene: LPL (lipoprotein lipase; plus strand). Cytogenetic location: 8p21.3.
Variant type: single nucleotide variant.
Coding change: c.269G>C on transcript NM_000237.3 (MANE Select); coding-DNA position 269, G replaced by C.
Protein change: p.Ser90Thr; replaces serine 90 with threonine.
Molecular consequence: missense variant.
Genome position (GRCh38, 1-based): chr8:19,951,788, G>C. VCF-style: chr8-19951788-G-C. GRCh37 (hg19) VCF-style: chr8-19809299-G-C.
Other names: short protein forms S90T.
Identifiers: ClinVar variation 4070166 (VCV004070166.2).
Genomic context (GRCh38, chr8:19,951,788, plus strand): 5'-GTAGGTGGGTATTTTAAGAAAGCTTGTGTCATCATCTTCAGGTAACAGGAATGTATGAGA[G>C]TTGGGTGCCAAAACTTGTGGCCGCCCTGTACAAGAGAGAACCAGACTCCAATGTCATTGT-3'
Protein context (NP_000228.1, residues 80-100): HGWTVTGMYE[Ser90Thr]WVPKLVAALY

ClinVar aggregate classification (germline): Uncertain significance. Review status: criteria provided, single submitter (1 of 4 stars). 2 submissions from 2 submitters: Uncertain significance (1). 1 of the submissions does not count toward it. Last evaluated 2026-01-02.

Conditions:
Hyperlipoproteinemia, type I. Also called: Hyperlipoproteinemia type 1; Hyperchylomicro-nemia familial; Familial chylomicronemia; Hyperlipemia idiopathic Burger-Grutz type; Familial hyperlipo-proteinemia type 1; Hyperlipemia essential familial. Identifiers: Orphanet 309015, Orphanet 444490, MedGen C0023817, MONDO:0009387, OMIM 238600. Disease mechanism: loss of function.
Cardiovascular phenotype. Identifiers: MedGen CN230736.

Submissions (2):

Ambry Genetics
Classification: Uncertain significance for Cardiovascular phenotype. Last evaluated: 2026-01-02. Review status: criteria provided, single submitter. Criteria: Ambry Variant Classification Scheme 2023. Collection method: clinical testing. Allele origin: germline.
Comment: The p.S90T variant (also known as c.269G>C), located in coding exon 3 of the LPL gene, results from a G to C substitution at nucleotide position 269. The serine at codon 90 is replaced by threonine, an amino acid with similar properties. This amino acid position is conserved. In addition, the in silico prediction for this alteration is inconclusive. Based on the available evidence, the clinical significance of this variant remains unclear.

Natera, Inc.
Classification: Uncertain significance for Lipoprotein lipase deficiency. Last evaluated: 2025-04-30. Review status: no assertion criteria provided. Collection method: clinical testing. Allele origin: germline. Not counted in ClinVar's aggregate classification.